The following is an entry in ClinVar:

NM_000038.6(APC):c.4050A>C (p.Lys1350Asn)

Gene: APC (APC regulator of Wnt signaling pathway; plus strand). Cytogenetic location: 5q22.2.
Variant type: single nucleotide variant.
Coding change: c.4050A>C on transcript NM_000038.6 (MANE Select); coding-DNA position 4050, A replaced by C.
Protein change: p.Lys1350Asn; replaces lysine 1350 with asparagine.
Molecular consequence: missense variant.
Genome position (GRCh38, 1-based): chr5:112,839,644, A>C. VCF-style: chr5-112839644-A-C. GRCh37 (hg19) VCF-style: chr5-112175341-A-C.
Other names: c.4050A>C, p.Lys1350Asn (NM_001127510.3, NM_001354895.2); c.3996A>C, p.Lys1332Asn (NM_001127511.3); c.4104A>C, p.Lys1368Asn (NM_001354896.2); c.4080A>C, p.Lys1360Asn (NM_001354897.2); c.3975A>C, p.Lys1325Asn (NM_001354898.2); c.3966A>C, p.Lys1322Asn (NM_001354899.2); c.3927A>C, p.Lys1309Asn (NM_001354900.2); c.3873A>C, p.Lys1291Asn (NM_001354901.2); and 5 more; short protein forms K1067N, K1190N, K1224N, K1249N, K1259N, K1291N, K1309N, K1322N.
Identifiers: ClinVar variation 1009545 (VCV001009545.10), dbSNP rs1765589630, ClinGen allele CA16030207.

ClinVar aggregate classification (germline): Uncertain significance (1 of 4 stars; one submission).

Conditions:
Familial adenomatous polyposis 1 (FAP1). Also called: FAMILIAL ADENOMATOUS POLYPOSIS 1, ATTENUATED; POLYPOSIS, ADENOMATOUS INTESTINAL. Identifiers: MedGen C2713442, MONDO:0021056, OMIM 175100. Disease mechanism: loss of function.

Submission:

Labcorp Genetics (formerly Invitae), Labcorp
Classification: Uncertain significance for Familial adenomatous polyposis 1. Last evaluated: 2020-06-24. Review status: criteria provided, single submitter. Criteria: Invitae Variant Classification Sherloc (09022015). Collection method: clinical testing. Allele origin: germline.
Comment: This variant has not been reported in the literature in individuals with APC-related conditions. This sequence change replaces lysine with asparagine at codon 1350 of the APC protein (p.Lys1350Asn). The lysine residue is highly conserved and there is a moderate physicochemical difference between lysine and asparagine. This variant is not present in population databases (ExAC no frequency). Algorithms developed to predict the effect of missense changes on protein structure and function are either unavailable or do not agree on the potential impact of this missense change (SIFT: "Tolerated"; PolyPhen-2: "Probably Damaging"; Align-GVGD: "Class C15"). In summary, the available evidence is currently insufficient to determine the role of this variant in disease. Therefore, it has been classified as a Variant of Uncertain Significance.